The following is an entry in ClinVar:

NM_001364905.1(LRBA):c.3961G>A (p.Asp1321Asn)

Gene: LRBA (LPS responsive beige-like anchor protein; minus strand). Cytogenetic location: 4q31.3.
Variant type: single nucleotide variant.
Coding change: c.3961G>A on transcript NM_001364905.1 (MANE Select); coding-DNA position 3961, G replaced by A.
Protein change: p.Asp1321Asn; replaces aspartic acid 1321 with asparagine.
Molecular consequence: missense variant.
Genome position (GRCh38, 1-based): chr4:150,850,767, C>T on the plus strand (G>A on the coding strand, the complement: LRBA is on the minus strand). VCF-style: chr4-150850767-C-T. GRCh37 (hg19) VCF-style: chr4-151771919-C-T.
Other names: c.3961G>A, p.Asp1321Asn (NM_001199282.3, NM_001367550.1, NM_006726.5); short protein forms D1321N.
Identifiers: ClinVar variation 2418019 (VCV002418019.6), dbSNP rs539355139, ClinGen allele CA3102939.

ClinVar aggregate classification (germline): Uncertain significance (1 of 4 stars; one submission).

Conditions:
Combined immunodeficiency due to LRBA deficiency. Also called: Common variable immunodeficiency 8, with autoimmunity. Identifiers: Orphanet 445018, MedGen C3553512, MONDO:0013863, OMIM 614700.

Allele frequency attached by ClinVar (database versions not stated): gnomAD exomes below 0.00001; ExAC 0.00002; gnomAD 0.00003; TOPMed 0.00003; 1000 Genomes Project 30x 0.00031; 1000 Genomes Project 0.00040.
gnomAD v4.1: 8 of 1,613,336 alleles (0.0005%); highest among the groups gnomAD compares: African/African-American, 0.011%; no homozygotes.

Submission:

Labcorp Genetics (formerly Invitae), Labcorp
Classification: Uncertain significance for Combined immunodeficiency due to LRBA deficiency. Last evaluated: 2022-07-12. Review status: criteria provided, single submitter. Criteria: Invitae Variant Classification Sherloc (09022015). Collection method: clinical testing. Allele origin: germline.
Comment: In summary, the available evidence is currently insufficient to determine the role of this variant in disease. Therefore, it has been classified as a Variant of Uncertain Significance. Algorithms developed to predict the effect of sequence changes on RNA splicing suggest that this variant may disrupt the consensus splice site. Algorithms developed to predict the effect of missense changes on protein structure and function are either unavailable or do not agree on the potential impact of this missense change (SIFT: "Tolerated"; PolyPhen-2: "Probably Damaging"; Align-GVGD: "Class C0"). This variant has not been reported in the literature in individuals affected with LRBA-related conditions. This variant is present in population databases (rs539355139, gnomAD 0.02%). This sequence change replaces aspartic acid, which is acidic and polar, with asparagine, which is neutral and polar, at codon 1321 of the LRBA protein (p.Asp1321Asn).